The following is an entry in ClinVar:

NM_001701.4(BAAT):c.59G>A (p.Arg20Gln)

Gene: BAAT (bile acid-CoA:amino acid N-acyltransferase; minus strand). Cytogenetic location: 9q31.1.
Variant type: single nucleotide variant.
Coding change: c.59G>A on transcript NM_001701.4 (MANE Select); coding-DNA position 59, G replaced by A.
Protein change: p.Arg20Gln; replaces arginine 20 with glutamine.
Molecular consequence: missense variant.
Genome position (GRCh38, 1-based): chr9:101,371,346, C>T on the plus strand (G>A on the coding strand, the complement: BAAT is on the minus strand). VCF-style: chr9-101371346-C-T. GRCh37 (hg19) VCF-style: chr9-104133628-C-T.
Other names: c.59G>A, p.Arg20Gln (NM_001127610.2, NM_001374715.1); short protein forms R20Q.
Identifiers: ClinVar variation 257518 (VCV000257518.19), dbSNP rs1572983, ClinGen allele CA5160791.

ClinVar aggregate classification (germline): Benign. Review status: criteria provided, multiple submitters, no conflicts (2 of 4 stars). 9 submissions from 8 submitters: Benign (9). Last evaluated 2026-02-03.

Conditions:
Bile acid conjugation defect 1. Also called: HYPERCHOLANEMIA, FAMILIAL 3. Identifiers: MedGen C5543203, MONDO:0030991, OMIM 619232.
Hypercholanemia, familial 1 (FHCA1). Identifiers: Orphanet 238475, MedGen C5542604, MONDO:0031446, OMIM 607748.

Allele frequency attached by ClinVar (database versions not stated): ESP Exome Variant Server 0.63140; 1000 Genomes Project 30x 0.55918; 1000 Genomes Project 0.56290; gnomAD exomes 0.66990 and 0.64694; ExAC 0.64611; TOPMed 0.61831; gnomAD 0.62844 and 0.63259.

Submissions (9):

Labcorp Genetics (formerly Invitae), Labcorp
Classification: Benign. Last evaluated: 2026-02-03. Review status: criteria provided, single submitter. Criteria: Invitae Variant Classification Sherloc (09022015). Collection method: clinical testing. Allele origin: germline.

Mayo Clinic Laboratories, Mayo Clinic
Classification: Benign. Last evaluated: 2022-05-05. Review status: criteria provided, single submitter. Criteria: ACMG Guidelines, 2015. Collection method: clinical testing. Allele origin: germline. Observed: 448 variant alleles.

Genome-Nilou Lab
Classification: Benign for Bile acid conjugation defect 1. Last evaluated: 2021-07-14. Review status: criteria provided, single submitter. Criteria: ACMG Guidelines, 2015. Collection method: clinical testing. Allele origin: germline. Affected: no.

Genome-Nilou Lab
Classification: Benign for Hypercholanemia, familial 1. Last evaluated: 2021-07-14. Review status: criteria provided, single submitter. Criteria: ACMG Guidelines, 2015. Collection method: clinical testing. Allele origin: germline. Affected: no.

GeneDx
Classification: Benign. Last evaluated: 2018-11-10. Review status: criteria provided, single submitter. Criteria: GeneDx Variant Classification Process June 2021. Collection method: clinical testing. Allele origin: germline. Affected: yes.

Illumina Laboratory Services, Illumina
Classification: Benign for Hypercholanemia, familial 1. Last evaluated: 2018-01-13. Review status: criteria provided, single submitter. Criteria: ICSL Variant Classification Criteria 13 December 2019. Collection method: clinical testing. Allele origin: germline.
Comment: This variant was observed in the ICSL laboratory as part of a predisposition screen in an ostensibly healthy population. It had not been previously curated by ICSL or reported in the Human Gene Mutation Database (HGMD: prior to June 1st, 2018), and was therefore a candidate for classification through an automated scoring system. Utilizing variant allele frequency, disease prevalence and penetrance estimates, and inheritance mode, an automated score was calculated to assess if this variant is too frequent to cause the disease. Based on the score and internal cut-off values, a variant classified as benign is not then subjected to further curation. The score for this variant resulted in a classification of benign for this disease.

Eurofins Ntd Llc (ga)
Classification: Benign. Last evaluated: 2017-05-15. Review status: criteria provided, single submitter. Criteria: EGL Classification Definitions 2015. Collection method: clinical testing. Allele origin: germline. Observed: 2 variant alleles, 1 heterozygote, 1 homozygote.

Breakthrough Genomics
Classification: Benign. Review status: criteria provided, single submitter. Criteria: ACMG Guidelines, 2015. Collection method: not provided. Allele origin: germline. Inheritance: Autosomal recessive inheritance. Affected: yes.

PreventionGenetics, part of Exact Sciences
Classification: Benign. Review status: criteria provided, single submitter. Criteria: ACMG Guidelines, 2015. Collection method: clinical testing. Allele origin: germline.